The following is an entry in ClinVar:

NM_005188.4(CBL):c.970C>G (p.Leu324Val)

Gene: CBL (Cbl proto-oncogene; plus strand). Cytogenetic location: 11q23.3.
Variant type: single nucleotide variant.
Coding change: c.970C>G on transcript NM_005188.4 (MANE Select); coding-DNA position 970, C replaced by G.
Protein change: p.Leu324Val; replaces leucine 324 with valine.
Molecular consequence: missense variant.
Genome position (GRCh38, 1-based): chr11:119,276,097, C>G. VCF-style: chr11-119276097-C-G. GRCh37 (hg19) VCF-style: chr11-119146807-C-G.
Other names: short protein forms L324V.
Identifiers: ClinVar variation 4875224 (VCV004875224.2).

ClinVar aggregate classification (germline): Uncertain significance (1 of 4 stars; one submission).

Submission:

CeGaT Center for Human Genetics Tuebingen
Classification: Uncertain significance. Last evaluated: 2026-06-01. Review status: criteria provided, single submitter. Criteria: CeGaT Center For Human Genetics Tuebingen Variant Classification Criteria Version 2. Collection method: clinical testing. Allele origin: germline. Affected: yes. Observed: 1 variant allele.
Comment: CBL: PM2, PP3